The following is an entry in ClinVar:

ClinVar aggregate classification (germline): other (0 of 4 stars; one submission).

Conditions:
Familial colorectal cancer. Identifiers: MedGen CN280943, MONDO:0023113. Disease mechanism: loss of function.

Allele frequency attached by ClinVar (database versions not stated): gnomAD 0.00057; TOPMed 0.00088; 1000 Genomes Project 0.00160; 1000 Genomes Project 30x 0.00187.
gnomAD v4.1: 56 of 152,176 alleles (0.037%); highest among the groups gnomAD compares: East Asian, 1%; no homozygotes.

Submission:

Systems Biology Platform Zhejiang California International NanoSystems Institute
Classification: other for Familial colorectal cancer. Review status: no assertion criteria provided. Collection method: not provided. Allele origin: unknown.
ClinVar note: Converted during submission from cancer to other.

NM_000038.6(APC):c.834+3490T>G

Gene: APC (APC regulator of WNT signaling pathway; plus strand). Cytogenetic location: 5q22.2.
Variant type: single nucleotide variant.
Coding change: c.834+3490T>G on transcript NM_000038.6 (MANE Select); 3490 bases into the intron after coding-DNA position 834, T replaced by G.
Molecular consequence: intron variant.
Genome position (GRCh38, 1-based): chr5:112,804,873, T>G. VCF-style: chr5-112804873-T-G. GRCh37 (hg19) VCF-style: chr5-112140570-T-G.
Other names: c.834+3490T>G (NM_001354895.2, NM_001127510.3, NM_001354896.2 and 1 more transcripts); c.864+3490T>G (NM_001354897.2, NM_001354902.2); c.780+3490T>G (NM_001127511.3); c.759+3490T>G (NM_001354898.2, NM_001354904.2); c.-202+3490T>G (NM_001354906.2); c.750+3490T>G (NM_001354899.2); c.657+3490T>G (NM_001354900.2, NM_001354901.2, NM_001354905.2).
Identifiers: ClinVar variation 83052 (VCV000083052.2), dbSNP rs79822557, ClinGen allele CA014729.